The following is an entry in ClinVar:

NM_001009944.3(PKD1):c.4824_4826dup (p.Ile1610dup)

Gene: PKD1 (polycystin 1, transient receptor potential channel interacting; minus strand). Cytogenetic location: 16p13.3.
Variant type: Duplication.
Coding change: c.4824_4826dup on transcript NM_001009944.3 (MANE Select); coding-DNA positions 4824 to 4826, 3 bases duplicated (TAT; older notation c.4824_4826dupTAT).
Protein change: p.Ile1610dup; duplicates isoleucine 1610.
Molecular consequence: inframe insertion.
Genome position (GRCh38, 1-based): chr16:2,110,341-2,110,343, ATA duplicated on the plus strand (TAT on the coding strand, the reverse complement: PKD1 is on the minus strand). VCF-style (leftmost placement, unchanged base first): chr16-2110340-G-GATA. GRCh37 (hg19) VCF-style: chr16-2160341-G-GATA.
Other names: c.4824_4826dup, p.Ile1610dup (NM_000296.4).
Identifiers: ClinVar variation 1306983 (VCV001306983.5), dbSNP rs2151796171, ClinGen allele CA2573054182.

ClinVar aggregate classification (germline): Uncertain significance. Review status: criteria provided, multiple submitters, no conflicts (2 of 4 stars). 2 submissions from 2 submitters: Uncertain significance (2). Last evaluated 2025-05-01.

Conditions:
Polycystic kidney disease, adult type (PKD1). Also called: Polycystic Kidney Disease 1, Autosomal Dominant; Polycystic kidney disease 1; Polycystic kidney disease 1, severe; POLYCYSTIC KIDNEY DISEASE 1 WITH OR WITHOUT POLYCYSTIC LIVER DISEASE; POLYCYSTIC KIDNEY DISEASE, ADULT, TYPE I; Polycystic Kidney, Autosomal Dominant. Identifiers: MedGen C3149841, MONDO:0008263, OMIM 173900.

Submissions (2):

GeneDx
Classification: Uncertain significance. Last evaluated: 2025-05-01. Review status: criteria provided, single submitter. Criteria: GeneDx Variant Classification Process June 2021. Collection method: clinical testing. Allele origin: germline. Affected: yes.
Comment: In-frame insertion of 1 amino acid in a non-repeat region; Not observed at significant frequency in large population cohorts (gnomAD); Has not been previously published as pathogenic or benign to our knowledge

Department of Pathology and Laboratory Medicine, Sinai Health System
Classification: Uncertain significance for Polycystic kidney disease, adult type. Last evaluated: 2022-06-03. Review status: criteria provided, single submitter. Criteria: ACMG Guidelines, 2015. Collection method: clinical testing. Allele origin: germline.